The following is an entry in ClinVar:

ClinVar aggregate classification (germline): Likely benign (1 of 4 stars; one submission).

Allele frequency attached by ClinVar (database versions not stated): TOPMed 0.00002; gnomAD exomes 0.00003; gnomAD 0.00006; ESP Exome Variant Server 0.00009; ExAC 0.00010.
gnomAD v4.1: 35 of 1,209,061 alleles (0.0029%); highest among the groups gnomAD compares: South Asian, 0.0088%; no homozygotes.

Submission:

CeGaT Center for Human Genetics Tuebingen
Classification: Likely benign. Last evaluated: 2022-03-01. Review status: criteria provided, single submitter. Criteria: CeGaT Center For Human Genetics Tuebingen Variant Classification Criteria Version 2. Collection method: clinical testing. Allele origin: germline. Affected: yes. Observed: 1 variant allele.
Comment: VSIG1: BP4, BP7

NM_182607.5(VSIG1):c.579C>T (p.Thr193=)

Gene: VSIG1 (V-set and immunoglobulin domain containing 1; plus strand). Cytogenetic location: Xq22.3.
Variant type: single nucleotide variant.
Coding change: c.579C>T on transcript NM_182607.5 (MANE Select); coding-DNA position 579, C replaced by T.
Protein change: p.Thr193=; no amino-acid change (threonine 193 retained).
Molecular consequence: synonymous variant.
Genome position (GRCh38, 1-based): chrX:108,073,260, C>T. VCF-style: chrX-108073260-C-T. GRCh37 (hg19) VCF-style: chrX-107316490-C-T.
Other names: c.687C>T, p.Thr229= (NM_001170553.2).
Identifiers: ClinVar variation 2661157 (VCV002661157.24), dbSNP rs370374581, ClinGen allele CA10486545.